The following is an entry in ClinVar:

ClinVar aggregate classification (germline): Uncertain significance. Review status: criteria provided, multiple submitters, no conflicts (2 of 4 stars). 2 submissions from 2 submitters: Uncertain significance (2). Last evaluated 2023-08-15.

Conditions:
Familial thoracic aortic aneurysm and aortic dissection (TAAD). Also called: Thoracic aortic aneurysms and dissections. Identifiers: Orphanet 91387, MedGen C4707243, MONDO:0019625.

Allele frequency attached by ClinVar (database versions not stated): ExAC 0.00001.
gnomAD v4.1: 1 of 1,613,592 alleles (0.000062%); highest among the groups gnomAD compares: East Asian, 0.0022%; no homozygotes.

Submissions (2):

All of Us Research Program, National Institutes of Health
Classification: Uncertain significance for Familial thoracic aortic aneurysm and aortic dissection. Last evaluated: 2023-08-15. Review status: criteria provided, single submitter. Criteria: ACMG Guidelines, 2015. Collection method: clinical testing. Allele origin: germline. Inheritance: Autosomal dominant inheritance. Observed: 1 variant allele, 1 heterozygote.
Comment: This study involves interpretation of variants in research participants for the purpose of population health screening. Participant phenotype was not available at the time of variant classification. Additional details can be found in publication PMID: 35346344, PMCID: PMC8962531

Color Diagnostics, LLC DBA Color Health
Classification: Uncertain significance for Familial thoracic aortic aneurysm and aortic dissection. Last evaluated: 2022-11-16. Review status: criteria provided, single submitter. Criteria: ACMG Guidelines, 2015. Collection method: clinical testing. Allele origin: germline.
Comment: This missense variant replaces lysine with asparagine at codon 1254 of the MYH11 protein. Computational prediction is inconclusive regarding the impact of this variant on protein structure and function (internally defined REVEL score threshold 0.5 < inconclusive < 0.7, PMID: 27666373). To our knowledge, functional studies have not been reported for this variant. This variant has not been reported in individuals affected with MYH11-related disorders in the literature. This variant has been identified in 1/251156 chromosomes in the general population by the Genome Aggregation Database (gnomAD). The available evidence is insufficient to determine the role of this variant in disease conclusively. Therefore, this variant is classified as a Variant of Uncertain Significance.

NM_002474.3(MYH11):c.3741G>C (p.Lys1247Asn)

Gene: MYH11 (myosin heavy chain 11; minus strand). Cytogenetic location: 16p13.11.
Variant type: single nucleotide variant.
Coding change: c.3741G>C on transcript NM_002474.3 (MANE Select); coding-DNA position 3741, G replaced by C.
Protein change: p.Lys1247Asn; replaces lysine 1247 with asparagine.
Molecular consequence: missense variant.
Genome position (GRCh38, 1-based): chr16:15,726,965, C>G on the plus strand (G>C on the coding strand, the complement: MYH11 is on the minus strand). VCF-style: chr16-15726965-C-G. GRCh37 (hg19) VCF-style: chr16-15820822-C-G.
Other names: c.3762G>C, p.Lys1254Asn (NM_001040113.2, NM_001040114.2); c.3741G>C, p.Lys1247Asn (NM_022844.3); short protein forms K1247N, K1254N.
Identifiers: ClinVar variation 2773823 (VCV002773823.3), dbSNP rs747848745, ClinGen allele CA7921902.